The following is an entry in ClinVar:

NM_001256789.3(CACNA1F):c.2734-2A>G

Gene: CACNA1F (calcium voltage-gated channel subunit alpha1 F; minus strand). Cytogenetic location: Xp11.23.
Variant type: single nucleotide variant.
Coding change: c.2734-2A>G on transcript NM_001256789.3 (MANE Select); the canonical splice acceptor site of the intron before coding-DNA position 2734, A replaced by G.
Molecular consequence: splice acceptor variant.
Genome position (GRCh38, 1-based): chrX:49,218,737, T>C on the plus strand (A>G on the coding strand, the complement: CACNA1F is on the minus strand). VCF-style: chrX-49218737-T-C. GRCh37 (hg19) VCF-style: chrX-49075196-T-C.
Other names: c.2767-2A>G (NM_005183.4); c.2572-2A>G (NM_001256790.3).
Identifiers: ClinVar variation 2824846 (VCV002824846.3), dbSNP rs2520916556, ClinGen allele CA412965003.

ClinVar aggregate classification (germline): Likely pathogenic (1 of 4 stars; one submission).

Submission:

Labcorp Genetics (formerly Invitae), Labcorp
Classification: Likely pathogenic. Last evaluated: 2024-04-30. Review status: criteria provided, single submitter. Criteria: Invitae Variant Classification Sherloc (09022015). Collection method: clinical testing. Allele origin: germline.
Comment: This sequence change affects an acceptor splice site in intron 22 of the CACNA1F gene. It is expected to disrupt RNA splicing. Variants that disrupt the donor or acceptor splice site typically lead to a loss of protein function (PMID: 16199547), and loss-of-function variants in CACNA1F are known to be pathogenic (PMID: 9662399, 11281458, 17525176, 22194652, 24124559, 26992781). This variant is not present in population databases (gnomAD no frequency). This variant has not been reported in the literature in individuals affected with CACNA1F-related conditions. Algorithms developed to predict the effect of sequence changes on RNA splicing suggest that this variant may disrupt the consensus splice site. In summary, the currently available evidence indicates that the variant is pathogenic, but additional data are needed to prove that conclusively. Therefore, this variant has been classified as Likely Pathogenic.

Literature cited by the submitters: PubMed 16199547; PubMed 9662399; PubMed 11281458; PubMed 17525176; PubMed 22194652; PubMed 24124559; PubMed 26992781.